The following is an entry in ClinVar:

ClinVar aggregate classification (germline): Uncertain significance (1 of 4 stars; one submission).

Conditions:
Marfan syndrome (MFS). Also called: MARFAN SYNDROME, TYPE I; Marfan syndrome type 1; Marfan's syndrome; Marfan syndrome, classic; FBN1-Related Marfan Syndrome. Identifiers: Orphanet 284963, Orphanet 558, MedGen C0024796, MONDO:0007947, OMIM 154700.
Familial thoracic aortic aneurysm and aortic dissection (TAAD). Also called: Thoracic aortic aneurysms and dissections. Identifiers: Orphanet 91387, MedGen C4707243, MONDO:0019625.

Submission:

Labcorp Genetics (formerly Invitae), Labcorp
Classification: Uncertain significance for Marfan syndrome; Familial thoracic aortic aneurysm and aortic dissection. Last evaluated: 2023-08-01. Review status: criteria provided, single submitter. Criteria: Invitae Variant Classification Sherloc (09022015). Collection method: clinical testing. Allele origin: germline.
Comment: This sequence change replaces isoleucine, which is neutral and non-polar, with threonine, which is neutral and polar, at codon 1859 of the FBN1 protein (p.Ile1859Thr). This variant is not present in population databases (gnomAD no frequency). This missense change has been observed in individual(s) with clinical features of FBN1-related condition (Invitae). Advanced modeling of protein sequence and biophysical properties (such as structural, functional, and spatial information, amino acid conservation, physicochemical variation, residue mobility, and thermodynamic stability) has been performed at Invitae for this missense variant, however the output from this modeling did not meet the statistical confidence thresholds required to predict the impact of this variant on FBN1 protein function. In summary, the available evidence is currently insufficient to determine the role of this variant in disease. Therefore, it has been classified as a Variant of Uncertain Significance.

NM_000138.5(FBN1):c.5576T>C (p.Ile1859Thr)

Gene: FBN1 (fibrillin 1; minus strand). Cytogenetic location: 15q21.1.
Variant type: single nucleotide variant.
Coding change: c.5576T>C on transcript NM_000138.5 (MANE Select); coding-DNA position 5576, T replaced by C.
Protein change: p.Ile1859Thr; replaces isoleucine 1859 with threonine.
Molecular consequence: missense variant.
Genome position (GRCh38, 1-based): chr15:48,448,863, A>G on the plus strand (T>C on the coding strand, the complement: FBN1 is on the minus strand). VCF-style: chr15-48448863-A-G. GRCh37 (hg19) VCF-style: chr15-48741060-A-G.
Other names: c.5576T>C, p.Ile1859Thr (NM_001406716.1); short protein forms I1859T.
Identifiers: ClinVar variation 2926147 (VCV002926147.3), dbSNP rs2505463435, ClinGen allele CA392342302.
Genomic context (GRCh38, chr15:48,448,863, plus strand): 5'-CCAGTGTGGCAAAGGCAATAAAAGCTTCCAACTGTGTCAATGCACTGCCCATGACTGCAT[A>G]TATTGGGGATTTCTTGACATTCATTACGATCTGTAAATAAGAAGCATCTTAAGTGAGAAC-3'
Protein context (NP_000129.3, residues 1849-1869): DRNECQEIPN[Ile1859Thr]CSHGQCIDTV